The following is an entry in ClinVar:

NM_197968.4(ZMYM2):c.3951T>C (p.Asn1317=)

Gene: ZMYM2 (zinc finger MYM-type containing 2; plus strand). Cytogenetic location: 13q12.11.
Variant type: single nucleotide variant.
Coding change: c.3951T>C on transcript NM_197968.4 (MANE Select); coding-DNA position 3951, T replaced by C.
Protein change: p.Asn1317=; no amino-acid change (asparagine 1317 retained).
Molecular consequence: synonymous variant. On other transcripts: non-coding transcript variant (1).
Genome position (GRCh38, 1-based): chr13:20,085,831, T>C. VCF-style: chr13-20085831-T-C. GRCh37 (hg19) VCF-style: chr13-20659971-T-C.
Other names: c.3951T>C, p.Asn1317= (NM_001190964.4, NM_001190965.4, NM_001353157.2 and 4 more transcripts); c.3756T>C, p.Asn1252= (NM_001353161.3); c.3690T>C, p.Asn1230= (NM_001353163.2).
Identifiers: ClinVar variation 4533962 (VCV004533962.6).

ClinVar aggregate classification (germline): Likely benign (1 of 4 stars; one submission).

gnomAD v4.1: 69 of 1,605,604 alleles (0.0043%); highest among the groups gnomAD compares: Middle Eastern, 0.017%; no homozygotes.

Submission:

CeGaT Center for Human Genetics Tuebingen
Classification: Likely benign. Last evaluated: 2025-11-01. Review status: criteria provided, single submitter. Criteria: CeGaT Center For Human Genetics Tuebingen Variant Classification Criteria Version 2. Collection method: clinical testing. Allele origin: germline. Affected: yes. Observed: 1 variant allele.
Comment: ZMYM2: BP4, BP7